The following is an entry in ClinVar:

NM_001267550.2(TTN):c.104092_104103delinsGAAGCTTT (p.Arg34698fs)

Genes: TTN (titin; minus strand), TTN-AS1 (TTN antisense RNA 1; plus strand). Cytogenetic location: 2q31.2.
Variant type: Indel.
Coding change: c.104092_104103delinsGAAGCTTT on transcript NM_001267550.2 (MANE Select); coding-DNA positions 104092 to 104103, CGAAGCCCTCCA replaced by GAAGCTTT.
Protein change: p.Arg34698fs; shifts the reading frame from arginine 34698.
Molecular consequence: frameshift variant.
Genome position (GRCh38, 1-based): chr2:178,532,512-178,532,523, TGGAGGGCTTCG replaced by AAAGCTTC on the plus strand (CGAAGCCCTCCA replaced by GAAGCTTT on the coding strand, the reverse complement: TTN is on the minus strand). VCF-style: chr2-178532512-TGGAGGGCTTCG-AAAGCTTC. GRCh37 (hg19) VCF-style: chr2-179397239-TGGAGGGCTTCG-AAAGCTTC.
Other names: c.99169_99180delinsGAAGCTTT, p.Arg33057fs (NM_001256850.1); c.76897_76908delinsGAAGCTTT, p.Arg25633fs (NM_003319.4); c.96388_96399delinsGAAGCTTT, p.Arg32130fs (NM_133378.4); c.77272_77283delinsGAAGCTTT, p.Arg25758fs (NM_133432.3); c.77473_77484delinsGAAGCTTT, p.Arg25825fs (NM_133437.4); short protein forms R32130fs, R25633fs, R25825fs, R34698fs, R25758fs, R33057fs.
Identifiers: ClinVar variation 932091 (VCV000932091.4), dbSNP rs1689596670, ClinGen allele CA1139657381.

ClinVar aggregate classification (germline): Likely pathogenic. Review status: criteria provided, multiple submitters, no conflicts (2 of 4 stars). 2 submissions from 2 submitters: Likely pathogenic (2). Last evaluated 2025-06-04.

Conditions:
TTN-related disorder. Also called: TTN-related condition; TTN-related disease; TTN-related disorders.
Tibial muscular dystrophy (TMD). Also called: Tibial muscular dystrophy, tardive; Udd Distal Myopathy – Tibial Muscular Dystrophy; UDD MYOPATHY. Identifiers: Orphanet 609, MedGen C1838244, MONDO:0010870, OMIM 600334.

Submissions (2):

PreventionGenetics, part of Exact Sciences
Classification: Likely pathogenic for TTN-related condition. Last evaluated: 2025-06-04. Review status: criteria provided, single submitter. Criteria: ACMG Guidelines, 2015. Collection method: clinical testing. Allele origin: germline.
Comment: The TTN c.104092_104103delinsGAAGCTTT variant is predicted to result in a frameshift and premature protein termination (p.Arg34698Glufs*48). To our knowledge, this variant has not been reported in the literature or in a large population database (gnomAD), indicating this variant is rare. This variant occurs in the M-band region of the TTN protein. Exons 359-364 (Mex1-Mex6) have historically been found to harbor a significant number of pathogenic variants for TTN-related autosomal dominant and recessive muscle disorders (Hackman et al. 2002. PubMed ID: 12145747; Evilä et al. 2014. PubMed ID: 24395473). RNAseq studies from heart tissue indicate this exon is commonly expressed in TTN mRNA transcripts (PSI of 100%, Roberts et al. 2015. PubMed ID: 25589632). TTN loss-of-function variants occurring in constitutively expressed exons (PSI > 90%) are more likely to be disease causing for TTN cardiac-related disorders regardless of band location (Roberts et al. 2015. PubMed ID: 25589632; Schafer et al. 2017. PubMed ID: 27869827; Akhtar et al. 2020. PubMed ID: 32964742). Many cases of recessive TTN-related myopathies in which the individual is compound heterozygous for two loss-of-function variants in TTN have also been reported (Oates et al. 2018. PubMed ID: 29691892; Ge et al. 2019. PubMed ID: 31053406; Rees et al. 2021. PubMed ID: 33449170). In summary, this variant is categorized as likely pathogenic. Of note, this variant is considered likely pathogenic for increased risk of TTN-related cardiac disorders, and also for autosomal recessive TTN-related congenital titinopathies.

Centre for Mendelian Genomics, University Medical Centre Ljubljana
Classification: Likely pathogenic for Tibial muscular dystrophy. Last evaluated: 2019-06-24. Review status: criteria provided, single submitter. Criteria: ACMG Guidelines, 2015. Collection method: clinical testing. Allele origin: unknown. Affected: yes.
Comment: This variant was classified as: Likely pathogenic. The following ACMG criteria were applied in classifying this variant: PVS1_S,PM2.